The following is an entry in ClinVar:

NM_016507.4(CDK12):c.780C>G (p.Asp260Glu)

Genes: CDK12 (cyclin dependent kinase 12; plus strand), LOC126862553 (CDK7 strongly-dependent group 2 enhancer GRCh37_chr17:37618166-37619365; plus strand). Cytogenetic location: 17q12.
Variant type: single nucleotide variant.
Coding change: c.780C>G on transcript NM_016507.4 (MANE Select); coding-DNA position 780, C replaced by G.
Protein change: p.Asp260Glu; replaces aspartic acid 260 with glutamic acid.
Molecular consequence: missense variant.
Genome position (GRCh38, 1-based): chr17:39,462,851, C>G. VCF-style: chr17-39462851-C-G. GRCh37 (hg19) VCF-style: chr17-37619104-C-G.
Other names: c.780C>G, p.Asp260Glu (NM_015083.4); short protein forms D260E.
Identifiers: ClinVar variation 4844501 (VCV004844501.1).
Genomic context (GRCh38, chr17:39,462,851, plus strand): 5'-TTCTTATGGCCAAGATTATGACCTTAGTCCCTCACGATCTCATACCTCGAGCAATTATGA[C>G]TCCTACAAGAAAAGTCCTGGAAGTACCTCGAGAAGGCAGTCGGTCAGTCCCCCTTACAAG-3'
Protein context (NP_057591.2, residues 250-270): PSRSHTSSNY[Asp260Glu]SYKKSPGSTS

ClinVar aggregate classification (germline): Uncertain significance (1 of 4 stars; one submission).

gnomAD v4.1: 1 of 1,614,196 alleles (0.000062%); highest among the groups gnomAD compares: Non-Finnish European, 0.000085%; no homozygotes.

Submission:

Ambry Genetics
Classification: Uncertain significance. Last evaluated: 2026-02-14. Review status: criteria provided, single submitter. Criteria: Ambry Variant Classification Scheme 2023. Collection method: clinical testing. Allele origin: germline.
Comment: The p.D260E variant (also known as c.780C>G), located in coding exon 1 of the CDK12 gene, results from a C to G substitution at nucleotide position 780. The aspartic acid at codon 260 is replaced by glutamic acid, an amino acid with highly similar properties. This amino acid position is conserved. In addition, this alteration is predicted to be tolerated by in silico analysis. Based on the available evidence, the clinical significance of this variant remains unclear.